The following is an entry in ClinVar:

ClinVar aggregate classification (germline): Likely benign (0 of 4 stars; one submission).

Conditions:
ACOT7-related disorder. Also called: ACOT7-related condition.

Allele frequency attached by ClinVar (database versions not stated): gnomAD exomes 0.00006; 1000 Genomes Project 0.00020; ExAC 0.00022; 1000 Genomes Project 30x 0.00031; gnomAD 0.00059; TOPMed 0.00062; ESP Exome Variant Server 0.00100.
gnomAD v4.1: 188 of 1,613,602 alleles (0.012%); highest among the groups gnomAD compares: African/African-American, 0.19%; no homozygotes.

Submission:

PreventionGenetics, part of Exact Sciences
Classification: Likely benign for ACOT7-related condition. Last evaluated: 2019-05-28. Review status: no assertion criteria provided. Collection method: clinical testing. Allele origin: germline.
Comment: This variant is classified as likely benign based on ACMG/AMP sequence variant interpretation guidelines (Richards et al. 2015 PMID: 25741868, with internal and published modifications).

NM_007274.4(ACOT7):c.306C>T (p.Phe102=)

Gene: ACOT7 (acyl-CoA thioesterase 7; minus strand). Cytogenetic location: 1p36.31.
Variant type: single nucleotide variant.
Coding change: c.306C>T on transcript NM_007274.4 (MANE Select); coding-DNA position 306, C replaced by T.
Protein change: p.Phe102=; no amino-acid change (phenylalanine 102 retained).
Molecular consequence: synonymous variant.
Genome position (GRCh38, 1-based): chr1:6,339,545, G>A on the plus strand (C>T on the coding strand, the complement: ACOT7 is on the minus strand). VCF-style: chr1-6339545-G-A. GRCh37 (hg19) VCF-style: chr1-6399605-G-A.
Other names: c.336C>T, p.Phe112= (NM_181864.3); c.246C>T, p.Phe82= (NM_181865.3); c.183C>T, p.Phe61= (NM_181866.3).
Identifiers: ClinVar variation 3039510 (VCV003039510.2), dbSNP rs147559738, ClinGen allele CA559472.
Genomic context (GRCh38, chr1:6,339,545, plus strand): 5'-GGAGGTGTAGGTGATCTCCGCGCTGACATGCGCCACCTCACCGATGCACATGGGAGACAG[G>A]AAGTCGGTGCGCTCGACACGAGCCAGGGCGGCCACACAGCGCTCCTGTGGAGACAGAGGC-3'
Protein context (NP_009205.3, residues 92-112): AALARVERTD[Phe102=]LSPMCIGEVA